The following is an entry in ClinVar:

ClinVar aggregate classification (germline): Uncertain significance (1 of 4 stars; one submission).

Submission:

Dasa
Classification: Uncertain significance. Last evaluated: 2025-12-03. Review status: criteria provided, single submitter. Criteria: DASA Assertion Criteria. Collection method: clinical testing. Allele origin: germline.
Comment: NM_000398.7(CYB5R3):c.670G>C (p.Glu224Gln) is a missense variant that results in the substitution of glutamic acid with glutamine. The affected residue or protein region has prior evidence supporting clinical relevance. This variant is rare in population databases. The currently available literature and clinical evidence are not sufficient to establish a definitive association between this variant and the reported condition. Therefore, this variant is classified as a variant of uncertain significance.

NM_000398.7(CYB5R3):c.670G>C (p.Glu224Gln)

Gene: CYB5R3 (cytochrome b5 reductase 3; minus strand). Cytogenetic location: 22q13.2.
Variant type: single nucleotide variant.
Coding change: c.670G>C on transcript NM_000398.7 (MANE Select); coding-DNA position 670, G replaced by C.
Protein change: p.Glu224Gln; replaces glutamic acid 224 with glutamine.
Molecular consequence: missense variant.
Genome position (GRCh38, 1-based): chr22:42,623,852, C>G on the plus strand (G>C on the coding strand, the complement: CYB5R3 is on the minus strand). VCF-style: chr22-42623852-C-G. GRCh37 (hg19) VCF-style: chr22-43019858-C-G.
Other names: c.601G>C, p.Glu201Gln (NM_007326.4, NM_001129819.2, NM_001171661.1); c.769G>C, p.Glu257Gln (NM_001171660.2); short protein forms E201Q, E224Q, E257Q.
Identifiers: ClinVar variation 5020773 (VCV005020773.1).